The following is an entry in ClinVar:

NM_001330700.2(TOP2B):c.4738G>A (p.Asp1580Asn)

Gene: TOP2B (DNA topoisomerase II beta; minus strand). Cytogenetic location: 3p24.2.
Variant type: single nucleotide variant.
Coding change: c.4738G>A on transcript NM_001330700.2 (MANE Select); coding-DNA position 4738, G replaced by A.
Protein change: p.Asp1580Asn; replaces aspartic acid 1580 with asparagine.
Molecular consequence: missense variant.
Genome position (GRCh38, 1-based): chr3:25,598,450, C>T on the plus strand (G>A on the coding strand, the complement: TOP2B is on the minus strand). VCF-style: chr3-25598450-C-T. GRCh37 (hg19) VCF-style: chr3-25639941-C-T.
Other names: c.4723G>A, p.Asp1575Asn (NM_001068.3); short protein forms D1575N, D1580N.
Identifiers: ClinVar variation 1433800 (VCV001433800.8), dbSNP rs765403902, ClinGen allele CA351890147.

ClinVar aggregate classification (germline): Uncertain significance (1 of 4 stars; one submission).

Submission:

Labcorp Genetics (formerly Invitae), Labcorp
Classification: Uncertain significance. Last evaluated: 2021-02-26. Review status: criteria provided, single submitter. Criteria: Invitae Variant Classification Sherloc (09022015). Collection method: clinical testing. Allele origin: germline.
Comment: This sequence change replaces aspartic acid with asparagine at codon 1575 of the TOP2B protein (p.Asp1575Asn). The aspartic acid residue is weakly conserved and there is a small physicochemical difference between aspartic acid and asparagine. In summary, the available evidence is currently insufficient to determine the role of this variant in disease. Therefore, it has been classified as a Variant of Uncertain Significance. Algorithms developed to predict the effect of missense changes on protein structure and function (SIFT, PolyPhen-2, Align-GVGD) all suggest that this variant is likely to be tolerated, but these predictions have not been confirmed by published functional studies and their clinical significance is uncertain. This variant has not been reported in the literature in individuals with TOP2B-related conditions. This variant is not present in population databases (ExAC no frequency).